The following is an entry in ClinVar:

ClinVar aggregate classification (germline): Uncertain significance (1 of 4 stars; one submission).

Allele frequency attached by ClinVar (database versions not stated): ExAC 0.00002; gnomAD exomes 0.00002; TOPMed 0.00002; gnomAD 0.00003; ESP Exome Variant Server 0.00008.

Submission:

Ambry Genetics
Classification: Uncertain significance. Last evaluated: 2023-06-30. Review status: criteria provided, single submitter. Criteria: Ambry Variant Classification Scheme 2023. Collection method: clinical testing. Allele origin: germline.
Comment: The p.V384L variant (also known as c.1150G>T), located in coding exon 5 of the MNDA gene, results from a G to T substitution at nucleotide position 1150. The valine at codon 384 is replaced by leucine, an amino acid with highly similar properties. This amino acid position is conserved. In addition, this alteration is predicted to be tolerated by in silico analysis. Since supporting evidence is limited at this time, the clinical significance of this alteration remains unclear.

NM_002432.3(MNDA):c.1150G>T (p.Val384Leu)

Gene: MNDA (myeloid cell nuclear differentiation antigen; plus strand). Cytogenetic location: 1q23.1.
Variant type: single nucleotide variant.
Coding change: c.1150G>T on transcript NM_002432.3 (MANE Select); coding-DNA position 1150, G replaced by T.
Protein change: p.Val384Leu; replaces valine 384 with leucine.
Molecular consequence: missense variant.
Genome position (GRCh38, 1-based): chr1:158,847,890, G>T. VCF-style: chr1-158847890-G-T. GRCh37 (hg19) VCF-style: chr1-158817680-G-T.
Other names: short protein forms V384L.
Identifiers: ClinVar variation 1734037 (VCV001734037.3), dbSNP rs377667654, ClinGen allele CA1185809.
Genomic context (GRCh38, chr1:158,847,890, plus strand): 5'-GGAGATAAACTTCGACTCTTCTGCCTTCAACTGAGAACAGTTGACCGCAAGCTGAAACTG[G>T]TGTGTGGAAGTCACAGCTTCATCAAGGTGGGAACTGGATAGAGGAGAATGAGTTTGCTAA-3'
Protein context (NP_002423.1, residues 374-394): LRTVDRKLKL[Val384Leu]CGSHSFIKVI